The following is an entry in ClinVar:

NM_000092.5(COL4A4):c.3424G>T (p.Gly1142Ter)

Gene: COL4A4 (collagen type IV alpha 4 chain; minus strand). Cytogenetic location: 2q36.3.
Variant type: single nucleotide variant.
Coding change: c.3424G>T on transcript NM_000092.5 (MANE Select); coding-DNA position 3424, G replaced by T.
Protein change: p.Gly1142Ter; replaces glycine 1142 with a stop codon.
Molecular consequence: nonsense.
Genome position (GRCh38, 1-based): chr2:227,042,229, C>A on the plus strand (G>T on the coding strand, the complement: COL4A4 is on the minus strand). VCF-style: chr2-227042229-C-A. GRCh37 (hg19) VCF-style: chr2-227906945-C-A.
Other names: short protein forms G1142*.
Identifiers: ClinVar variation 1725553 (VCV001725553.2), dbSNP rs2473692907, ClinGen allele CA350838318.
Genomic context (GRCh38, chr2:227,042,229, plus strand): 5'-GTATCCCTGGATCCCCCTGGAGGCCTCTTGGCCCAGGGTCTCCCATTTCTCCTGGCTGTC[C>A]CCTCAGCCCAGGCATCCCGTGATCACCTGAGGATGACAGGGAAGTTTTGCAGATGGCCAG-3'

ClinVar aggregate classification (germline): Likely pathogenic (1 of 4 stars; one submission).

Conditions:
Autosomal recessive Alport syndrome (ATS2). Also called: COL4A3-Related Nephropathy; COL4A4 Alport Syndrome and Thin Basement Membrane Nephropathy; ALPORT SYNDROME 2, AUTOSOMAL RECESSIVE; Alport syndrome type 2. Identifiers: Orphanet 63, Orphanet 88919, MedGen C4746745, MONDO:0008762, OMIM 203780.

Submission:

Myriad Genetics, Inc.
Classification: Likely pathogenic for Autosomal recessive Alport syndrome. Last evaluated: 2022-03-30. Review status: criteria provided, single submitter. Criteria: Myriad Women's Health Autosomal Recessive and X-Linked Classification Criteria (2021). Collection method: clinical testing. Allele origin: unknown.
Comment: NM_000092.4(COL4A4):c.3424G>T(G1142*) is expected to be pathogenic in the context of COL4A4-related Alport syndrome. This variant is predicted to lead to an abnormal or absent protein product due to the creation of a premature termination codon in COL4A4, a gene where loss-of-function variants are known to be pathogenic. Please note: this variant was assessed in the context of healthy population screening.